The following is an entry in ClinVar:

NM_013447.4(ADGRE2):c.191C>T (p.Thr64Ile)

Gene: ADGRE2 (adhesion G protein-coupled receptor E2; minus strand). Cytogenetic location: 19p13.12.
Variant type: single nucleotide variant.
Coding change: c.191C>T on transcript NM_013447.4 (MANE Select); coding-DNA position 191, C replaced by T.
Protein change: p.Thr64Ile; replaces threonine 64 with isoleucine.
Molecular consequence: missense variant.
Genome position (GRCh38, 1-based): chr19:14,773,946, G>A on the plus strand (C>T on the coding strand, the complement: ADGRE2 is on the minus strand). VCF-style: chr19-14773946-G-A. GRCh37 (hg19) VCF-style: chr19-14884758-G-A.
Other names: c.191C>T (NM_013447.2); c.191C>T, p.Thr64Ile (NM_001271052.1, NM_152916.2, NM_152917.2); short protein forms T64I.
Identifiers: ClinVar variation 2175498 (VCV002175498.5), dbSNP rs575645810, ClinGen allele CA9258280.

ClinVar aggregate classification (germline): Uncertain significance. Review status: criteria provided, multiple submitters, no conflicts (2 of 4 stars). 2 submissions from 2 submitters: Uncertain significance (2). Last evaluated 2025-08-28.

Allele frequency attached by ClinVar (database versions not stated): TOPMed 0.00001; gnomAD 0.00005; gnomAD exomes 0.00007; ExAC 0.00016; 1000 Genomes Project 30x 0.00062; 1000 Genomes Project 0.00080.
gnomAD v4.1: 111 of 1,614,096 alleles (0.0069%); highest among the groups gnomAD compares: South Asian, 0.12%; 1 homozygote.

Submissions (2):

Ambry Genetics
Classification: Uncertain significance. Last evaluated: 2025-08-28. Review status: criteria provided, single submitter. Criteria: Ambry Variant Classification Scheme 2023. Collection method: clinical testing. Allele origin: germline.

Labcorp Genetics (formerly Invitae), Labcorp
Classification: Uncertain significance. Last evaluated: 2025-01-27. Review status: criteria provided, single submitter. Criteria: Invitae Variant Classification Sherloc (09022015). Collection method: clinical testing. Allele origin: germline.
Comment: This sequence change replaces threonine, which is neutral and polar, with isoleucine, which is neutral and non-polar, at codon 64 of the ADGRE2 protein (p.Thr64Ile). This variant is present in population databases (rs575645810, gnomAD 0.09%), and has an allele count higher than expected for a pathogenic variant. This variant has not been reported in the literature in individuals affected with ADGRE2-related conditions. ClinVar contains an entry for this variant (Variation ID: 2175498). An algorithm developed to predict the effect of missense changes on protein structure and function outputs the following: PolyPhen-2: "Benign". The isoleucine amino acid residue is found in multiple mammalian species, which suggests that this missense change does not adversely affect protein function. In summary, the available evidence is currently insufficient to determine the role of this variant in disease. Therefore, it has been classified as a Variant of Uncertain Significance.